The following is an entry in ClinVar:

ClinVar aggregate classification (germline): Uncertain significance (1 of 4 stars; one submission).

Allele frequency attached by ClinVar (database versions not stated): gnomAD exomes below 0.00001.
gnomAD v4.1: 2 of 1,588,404 alleles (0.00013%); highest among the groups gnomAD compares: Non-Finnish European, 0.00017%; no homozygotes.

Submission:

Labcorp Genetics (formerly Invitae), Labcorp
Classification: Uncertain significance. Last evaluated: 2025-03-17. Review status: criteria provided, single submitter. Criteria: Invitae Variant Classification Sherloc (09022015). Collection method: clinical testing. Allele origin: germline.
Comment: This sequence change replaces threonine, which is neutral and polar, with methionine, which is neutral and non-polar, at codon 329 of the NR2F1 protein (p.Thr329Met). This variant is not present in population databases (gnomAD no frequency). This variant has not been reported in the literature in individuals affected with NR2F1-related conditions. ClinVar contains an entry for this variant (Variation ID: 2131659). Invitae Evidence Modeling of protein sequence and biophysical properties (such as structural, functional, and spatial information, amino acid conservation, physicochemical variation, residue mobility, and thermodynamic stability) has been performed for this missense variant. However, the output from this modeling did not meet the statistical confidence thresholds required to predict the impact of this variant on NR2F1 protein function. In summary, the available evidence is currently insufficient to determine the role of this variant in disease. Therefore, it has been classified as a Variant of Uncertain Significance.

NM_005654.6(NR2F1):c.986C>T (p.Thr329Met)

Gene: NR2F1 (nuclear receptor subfamily 2 group F member 1; plus strand). Cytogenetic location: 5q15.
Variant type: single nucleotide variant.
Coding change: c.986C>T on transcript NM_005654.6 (MANE Select); coding-DNA position 986, C replaced by T.
Protein change: p.Thr329Met; replaces threonine 329 with methionine.
Molecular consequence: missense variant.
Genome position (GRCh38, 1-based): chr5:93,588,439, C>T. VCF-style: chr5-93588439-C-T. GRCh37 (hg19) VCF-style: chr5-92924145-C-T.
Other names: c.536C>T, p.Thr179Met (NM_001410754.1); short protein forms T179M, T329M.
Identifiers: ClinVar variation 2131659 (VCV002131659.4), dbSNP rs2480809298, ClinGen allele CA360527529.